The following is an entry in ClinVar:

NM_000543.5(SMPD1):c.1055A>C (p.Glu352Ala)

Gene: SMPD1 (sphingomyelin phosphodiesterase 1; plus strand). Cytogenetic location: 11p15.4.
Variant type: single nucleotide variant.
Coding change: c.1055A>C on transcript NM_000543.5 (MANE Select); coding-DNA position 1055, A replaced by C.
Protein change: p.Glu352Ala; replaces glutamic acid 352 with alanine.
Molecular consequence: missense variant. On other transcripts: non-coding transcript variant (1).
Genome position (GRCh38, 1-based): chr11:6,392,120, A>C. VCF-style: chr11-6392120-A-C. GRCh37 (hg19) VCF-style: chr11-6413350-A-C.
Other names: c.1052A>C, p.Glu351Ala (NM_001007593.3); c.1055A>C, p.Glu352Ala (NM_001318087.2, NM_001365135.2); c.94A>C, p.Ser32Arg (NM_001318088.2); short protein forms E352A, E351A, S32R.
Identifiers: ClinVar variation 581009 (VCV000581009.5), dbSNP rs771028947, ClinGen allele CA5852742.

ClinVar aggregate classification (germline): Uncertain significance. Review status: criteria provided, multiple submitters, no conflicts (2 of 4 stars). 3 submissions from 3 submitters: Uncertain significance (2). 1 of the submissions does not count toward it. Last evaluated 2024-06-30.

Conditions:
Sphingomyelin/cholesterol lipidosis. Also called: Niemann-Pick disease. Identifiers: MedGen C0028064, MONDO:0001982.
Inborn genetic diseases. Identifiers: MedGen C0950123, MeSH D030342.
Niemann-Pick disease, type B. Also called: Chronic Visceral ASMD (Niemann-Pick Disease Type B; NPD-B). Identifiers: Orphanet 77293, MedGen C0268243, MONDO:0011871, OMIM 607616. Disease mechanism: loss of function.
Niemann-Pick disease, type A. Also called: Infantile Neurovisceral ASMD (Niemann-Pick Disease Type A; NPD-A); SPHINGOMYELIN LIPIDOSIS; SPHINGOMYELINASE DEFICIENCY. Identifiers: Orphanet 77292, MedGen C0268242, MONDO:0009756, OMIM 257200. Disease mechanism: loss of function.

Allele frequency attached by ClinVar (database versions not stated): gnomAD exomes below 0.00001; ExAC 0.00001.

Submissions (3):

Ambry Genetics
Classification: Uncertain significance for Inborn genetic diseases. Last evaluated: 2024-06-30. Review status: criteria provided, single submitter. Criteria: Ambry Variant Classification Scheme 2023. Collection method: clinical testing. Allele origin: germline.

Labcorp Genetics (formerly Invitae), Labcorp
Classification: Uncertain significance for Niemann-Pick disease, type B; Niemann-Pick disease, type A. Last evaluated: 2022-09-07. Review status: criteria provided, single submitter. Criteria: Invitae Variant Classification Sherloc (09022015). Collection method: clinical testing. Allele origin: germline.
Comment: This sequence change replaces glutamic acid, which is acidic and polar, with alanine, which is neutral and non-polar, at codon 352 of the SMPD1 protein (p.Glu352Ala). This variant is present in population databases (rs771028947, gnomAD 0.0009%). This variant has not been reported in the literature in individuals affected with SMPD1-related conditions. ClinVar contains an entry for this variant (Variation ID: 581009). Advanced modeling of protein sequence and biophysical properties (such as structural, functional, and spatial information, amino acid conservation, physicochemical variation, residue mobility, and thermodynamic stability) performed at Invitae indicates that this missense variant is not expected to disrupt SMPD1 protein function. In summary, the available evidence is currently insufficient to determine the role of this variant in disease. Therefore, it has been classified as a Variant of Uncertain Significance.

Natera, Inc.
Classification: Uncertain significance for Acid sphingomyelinase deficiency. Last evaluated: 2020-09-16. Review status: no assertion criteria provided. Collection method: clinical testing. Allele origin: germline. Not counted in ClinVar's aggregate classification.